The following is an entry in ClinVar:

ClinVar aggregate classification (germline): Uncertain significance. Review status: criteria provided, multiple submitters, no conflicts (2 of 4 stars). 2 submissions from 2 submitters: Uncertain significance (2). Last evaluated 2026-04-09.

Conditions:
Hereditary cancer-predisposing syndrome. Also called: Tumor predisposition; Hereditary neoplastic syndrome; Neoplastic Syndromes, Hereditary; Hereditary Cancer Syndrome. Identifiers: Orphanet 140162, MedGen C0027672, MeSH D009386, MONDO:0015356.
Rhabdoid tumor predisposition syndrome 2 (RTPS2). Identifiers: Orphanet 231108, Orphanet 69077, MedGen C2750074, MONDO:0013224, OMIM 613325.

Submissions (2):

Ambry Genetics
Classification: Uncertain significance for Hereditary cancer-predisposing syndrome. Last evaluated: 2026-04-09. Review status: criteria provided, single submitter. Criteria: Ambry Variant Classification Scheme 2023. Collection method: clinical testing. Allele origin: germline.
Comment: The p.T1458A variant (also known as c.4372A>G), located in coding exon 30 of the SMARCA4 gene, results from an A to G substitution at nucleotide position 4372. The threonine at codon 1458 is replaced by alanine, an amino acid with similar properties. This amino acid position is conserved. In addition, this alteration is predicted to be tolerated by in silico analysis. Based on the available evidence, the clinical significance of this variant remains unclear.

Labcorp Genetics (formerly Invitae), Labcorp
Classification: Uncertain significance for Rhabdoid tumor predisposition syndrome 2. Last evaluated: 2023-10-16. Review status: criteria provided, single submitter. Criteria: Invitae Variant Classification Sherloc (09022015). Collection method: clinical testing. Allele origin: germline.
Comment: This sequence change replaces threonine, which is neutral and polar, with alanine, which is neutral and non-polar, at codon 1458 of the SMARCA4 protein (p.Thr1458Ala). This variant is not present in population databases (gnomAD no frequency). This variant has not been reported in the literature in individuals affected with SMARCA4-related conditions. ClinVar contains an entry for this variant (Variation ID: 537782). Advanced modeling of protein sequence and biophysical properties (such as structural, functional, and spatial information, amino acid conservation, physicochemical variation, residue mobility, and thermodynamic stability) performed at Invitae indicates that this missense variant is not expected to disrupt SMARCA4 protein function. In summary, the available evidence is currently insufficient to determine the role of this variant in disease. Therefore, it has been classified as a Variant of Uncertain Significance.

NM_003072.5(SMARCA4):c.4276A>G (p.Thr1426Ala)

Gene: SMARCA4 (SWI/SNF related BAF chromatin remodeling complex subunit ATPase 4; plus strand). Cytogenetic location: 19p13.2.
Variant type: single nucleotide variant.
Coding change: c.4276A>G on transcript NM_003072.5 (MANE Select); coding-DNA position 4276, A replaced by G.
Protein change: p.Thr1426Ala; replaces threonine 1426 with alanine.
Molecular consequence: missense variant. On other transcripts: non-coding transcript variant (1).
Genome position (GRCh38, 1-based): chr19:11,041,412, A>G. VCF-style: chr19-11041412-A-G. GRCh37 (hg19) VCF-style: chr19-11152088-A-G.
Other names: c.4276A>G, p.Thr1426Ala (NM_001128844.3); c.4186A>G, p.Thr1396Ala (NM_001128845.2, NM_001128846.2); c.4177A>G, p.Thr1393Ala (NM_001128847.4, NM_001128848.2, NM_001374457.1); c.4372A>G, p.Thr1458Ala (NM_001128849.3, NM_001387283.1); short protein forms T1458A, T1393A, T1396A, T1426A.
Identifiers: ClinVar variation 537782 (VCV000537782.9), dbSNP rs1555788214, ClinGen allele CA404073499.